The following is an entry in ClinVar:

NM_181458.4(PAX3):c.835G>A (p.Gly279Arg)

Gene: PAX3 (paired box 3; minus strand). Cytogenetic location: 2q36.1.
Variant type: single nucleotide variant.
Coding change: c.835G>A on transcript NM_181458.4 (MANE Select); coding-DNA position 835, G replaced by A.
Protein change: p.Gly279Arg; replaces glycine 279 with arginine.
Molecular consequence: missense variant.
Genome position (GRCh38, 1-based): chr2:222,221,345, C>T on the plus strand (G>A on the coding strand, the complement: PAX3 is on the minus strand). VCF-style: chr2-222221345-C-T. GRCh37 (hg19) VCF-style: chr2-223086064-C-T.
Other names: c.832G>A, p.Gly278Arg (NM_001127366.3); c.835G>A, p.Gly279Arg (NM_181457.4, NM_181459.4, NM_181460.4 and 1 more transcripts); short protein forms G279R, G278R.
Identifiers: ClinVar variation 423782 (VCV000423782.2), dbSNP rs1064796626, ClinGen allele CA16617483.

ClinVar aggregate classification (germline): Uncertain significance (1 of 4 stars; one submission).

Allele frequency attached by ClinVar (database versions not stated): gnomAD exomes below 0.00001; TOPMed below 0.00001.
gnomAD v4.1: 3 of 1,614,022 alleles (0.00019%); highest among the groups gnomAD compares: Non-Finnish European, 0.00017%; no homozygotes.

Submission:

GeneDx
Classification: Uncertain significance. Last evaluated: 2017-02-23. Review status: criteria provided, single submitter. Criteria: GeneDx Variant Classification (06012015). Collection method: clinical testing. Allele origin: germline. Affected: yes.
Comment: The G279R variant in the PAX3 gene has not been reported previously as a pathogenic variant, nor as a benign variant, to our knowledge. The G279R variant is not observed in large population cohorts (Lek et al., 2016; 1000 Genomes Consortium et al., 2015; Exome Variant Server). The G279R variant is a non-conservative amino acid substitution, which is likely to impact secondary protein structure as these residues differ in polarity, charge, size and/or other properties. This substitution occurs at a position that is conserved across species. In silico analysis predicts this variant is probably damaging to the protein structure/function. We interpret G279R as a variant of uncertain significance.